The following is an entry in ClinVar:

ClinVar aggregate classification (germline): Pathogenic (1 of 4 stars; one submission).

Conditions:
Joubert syndrome and related disorders. Identifiers: Orphanet 140874, MedGen C5679612, MONDO:0015369.

Submission:

Women's Health and Genetics/Laboratory Corporation of America, LabCorp
Classification: Pathogenic for Joubert syndrome and related disorders. Last evaluated: 2023-12-15. Review status: criteria provided, single submitter. Criteria: LabCorp Variant Classification Summary - May 2015. Collection method: clinical testing. Allele origin: germline.
Comment: Variant summary: CEP104 c.1232delG (p.Gly411GlufsX4) results in a premature termination codon, predicted to cause a truncation of the encoded protein or absence of the protein due to nonsense mediated decay, which are commonly known mechanisms for disease. Variants downstream of this position have been classified as pathogenic in ClinVar. The variant was absent in 251458 control chromosomes (gnomAD). To our knowledge, no occurrence of c.1232delG in individuals affected with Joubert Syndrome And Related Disorders and no experimental evidence demonstrating its impact on protein function have been reported. No submitters have cited clinical-significance assessments for this variant to ClinVar after 2014. Based on the evidence outlined above, the variant was classified as pathogenic.

NM_014704.4(CEP104):c.1232del (p.Gly411fs)

Gene: CEP104 (centrosomal protein 104; minus strand). Cytogenetic location: 1p36.32.
Variant type: Deletion.
Coding change: c.1232del on transcript NM_014704.4 (MANE Select); coding-DNA position 1232, one base deleted (G; older notation c.1232delG).
Protein change: p.Gly411fs; shifts the reading frame from glycine 411.
Molecular consequence: frameshift variant.
Genome position (GRCh38, 1-based): chr1:3,836,580, C deleted on the plus strand (G on the coding strand, the reverse complement: CEP104 is on the minus strand); the first of 4 consecutive C bases (chr1:3,836,580-3,836,583); deleting any one gives the same sequence. VCF-style (leftmost placement, unchanged base first): chr1-3836579-TC-T. GRCh37 (hg19) VCF-style: chr1-3753143-TC-T.
Other names: c.1232delG (NM_014704.4); short protein forms G411fs.
Identifiers: ClinVar variation 2691290 (VCV002691290.1), dbSNP rs2525448754, ClinGen allele CA2697552062.